The following is an entry in ClinVar:

ClinVar aggregate classification (germline): Conflicting classifications of pathogenicity. Review status: criteria provided, conflicting classifications (1 of 4 stars). 4 submissions from 4 submitters: Likely pathogenic (1); Uncertain significance (3). Last evaluated 2025-03-25.

Conditions:
Inborn genetic diseases. Identifiers: MedGen C0950123, MeSH D030342.
Autosomal recessive limb-girdle muscular dystrophy type 2O. Also called: Limb-Girdle Muscular Dystrophy Type 3C; MUSCULAR DYSTROPHY-DYSTROGLYCANOPATHY (LIMB-GIRDLE), TYPE C, 3; MUSCULAR DYSTROPHY-DYSTROGLYCANOPATHY, LIMB-GIRDLE, POMGNT1-RELATED. Identifiers: Orphanet 206564, MedGen C3150417, MONDO:0013161, OMIM 613157.
Muscular dystrophy-dystroglycanopathy (congenital with impaired intellectual development), type B, 3. Also called: MUSCULAR DYSTROPHY, CONGENITAL, POMGNT1-RELATED; Muscular dystrophy-dystroglycanopathy (congenital with intellectual disability), type B3. Identifiers: MedGen C3150412, MONDO:0013155, OMIM 613151.

Submissions (4):

Women's Health and Genetics/Laboratory Corporation of America, LabCorp
Classification: Uncertain significance. Last evaluated: 2025-03-25. Review status: criteria provided, single submitter. Criteria: LabCorp Variant Classification Summary - May 2015. Collection method: clinical testing. Allele origin: germline.
Comment: Variant summary: POMGNT1 c.935C>T (p.Pro312Leu) results in a non-conservative amino acid change in the encoded protein sequence. Five of five in-silico tools predict a damaging effect of the variant on protein function. The variant was absent in 251296 control chromosomes. c.935C>T has been reported in the literature in one individuals affected with features of Muscular dystrophy-dystroglycanopathy (congenital with brain and eye anomalies), type A3 (Nissenkorn_2021). These data indicate that the variant may be associated with disease. To our knowledge, no experimental evidence demonstrating an impact on protein function has been reported. The following publication has been ascertained in the context of this evaluation (PMID: 33413009). ClinVar contains an entry for this variant (Variation ID: 1341594). Based on the evidence outlined above, the variant was classified as VUS-possibly pathogenic.

Labcorp Genetics (formerly Invitae), Labcorp
Classification: Uncertain significance for Autosomal recessive limb-girdle muscular dystrophy type 2O; Muscular dystrophy-dystroglycanopathy (congenital with impaired intellectual development), type B, 3. Last evaluated: 2024-04-10. Review status: criteria provided, single submitter. Criteria: Invitae Variant Classification Sherloc (09022015). Collection method: clinical testing. Allele origin: germline.
Comment: This sequence change replaces proline, which is neutral and non-polar, with leucine, which is neutral and non-polar, at codon 312 of the POMGNT1 protein (p.Pro312Leu). This variant is not present in population databases (gnomAD no frequency). This missense change has been observed in individual(s) with clinical features of POMGNT1-related conditions (PMID: 33413009). ClinVar contains an entry for this variant (Variation ID: 1341594). Advanced modeling of protein sequence and biophysical properties (such as structural, functional, and spatial information, amino acid conservation, physicochemical variation, residue mobility, and thermodynamic stability) has been performed at Invitae for this missense variant, however the output from this modeling did not meet the statistical confidence thresholds required to predict the impact of this variant on POMGNT1 protein function. In summary, the available evidence is currently insufficient to determine the role of this variant in disease. Therefore, it has been classified as a Variant of Uncertain Significance.

Ambry Genetics
Classification: Uncertain significance for Inborn genetic diseases. Last evaluated: 2023-12-22. Review status: criteria provided, single submitter. Criteria: Ambry Variant Classification Scheme 2023. Collection method: clinical testing. Allele origin: germline.
Comment: The c.935C>T (p.P312L) alteration is located in exon 10 (coding exon 9) of the POMGNT1 gene. This alteration results from a C to T substitution at nucleotide position 935, causing the proline (P) at amino acid position 312 to be replaced by a leucine (L). This variant was not reported in population-based cohorts in the Genome Aggregation Database (gnomAD). This variant has been detected homozygous in an individual with global developmental delay, polymicrogyria, thin corpus callosum, cerebellar cysts, brainstem hypoplasia, and hydrocephalus (Nissenkorn, 2021). This amino acid position is highly conserved in available vertebrate species. This alteration is predicted to be deleterious by in silico analysis. Based on insufficient or conflicting evidence, the clinical significance of this alteration remains unclear.

GeneDx
Classification: Likely pathogenic. Last evaluated: 2022-01-29. Review status: criteria provided, single submitter. Criteria: GeneDx Variant Classification Process June 2021. Collection method: clinical testing. Allele origin: germline. Affected: yes.
Comment: Not observed in large population cohorts (gnomAD); In silico analysis supports that this missense variant has a deleterious effect on protein structure/function; This variant is associated with the following publications: (PMID: 33413009)

Literature cited by the submitters: PubMed 33413009 (cited by 3 submitters).

NM_017739.4(POMGNT1):c.935C>T (p.Pro312Leu)

Genes: POMGNT1 (protein O-linked mannose N-acetylglucosaminyltransferase 1 (beta 1,2-); minus strand), TSPAN1 (tetraspanin 1; plus strand). Cytogenetic location: 1p34.1.
Variant type: single nucleotide variant.
Coding change: c.935C>T on transcript NM_017739.4 (MANE Select); coding-DNA position 935, C replaced by T.
Protein change: p.Pro312Leu; replaces proline 312 with leucine.
Molecular consequence: missense variant.
Genome position (GRCh38, 1-based): chr1:46,193,870, G>A on the plus strand (C>T on the coding strand, the complement: POMGNT1 is on the minus strand). VCF-style: chr1-46193870-G-A. GRCh37 (hg19) VCF-style: chr1-46659542-G-A.
Other names: c.935C>T, p.Pro312Leu (NM_001243766.2, NM_001410783.1); c.869C>T, p.Pro290Leu (NM_001290129.3); c.506C>T, p.Pro169Leu (NM_001290130.2); short protein forms P169L, P290L, P312L.
Identifiers: ClinVar variation 1341594 (VCV001341594.6), dbSNP rs2148196270, ClinGen allele CA340181479.